The following is an entry in ClinVar:

NM_001161352.2(KCNMA1):c.3540C>A (p.His1180Gln)

Gene: KCNMA1 (potassium calcium-activated channel subfamily M alpha 1; minus strand). Cytogenetic location: 10q22.3.
Variant type: single nucleotide variant.
Coding change: c.3540C>A on transcript NM_001161352.2 (MANE Select); coding-DNA position 3540, C replaced by A.
Protein change: p.His1180Gln; replaces histidine 1180 with glutamine.
Molecular consequence: missense variant.
Genome position (GRCh38, 1-based): chr10:76,887,437, G>T on the plus strand (C>A on the coding strand, the complement: KCNMA1 is on the minus strand). VCF-style: chr10-76887437-G-T. GRCh37 (hg19) VCF-style: chr10-78647195-G-T.
Other names: c.3378C>A, p.His1126Gln (NM_001014797.3); c.3489C>A, p.His1163Gln (NM_001161353.2); c.3216C>A, p.His1072Gln (NM_001271518.2); c.3456C>A, p.His1152Gln (NM_001271519.2); c.3375C>A, p.His1125Gln (NM_001322829.2, NM_001322836.2); c.3468C>A, p.His1156Gln (NM_001322830.2); c.3366C>A, p.His1122Gln (NM_001322832.2, NM_001410940.1, NM_002247.4); c.3459C>A, p.His1153Gln (NM_001322835.2, NM_001322837.2); and 1 more; short protein forms H1072Q, H1122Q, H1125Q, H1126Q, H1152Q, H1153Q, H1156Q, H1163Q.
Identifiers: ClinVar variation 3602253 (VCV003602253.1).
Genomic context (GRCh38, chr10:76,887,437, plus strand): 5'-GCTGGAGGACTGCGACGAGTGGGAGGAATGGGACAGGCTGGCCCGGGACTGGCCGGCATT[G>T]TGGTCAAACTGCATTAAGCAGAAGATCAGGTCCGTCGGCACGAGCTCAAACTCATAGGGC-3'
Protein context (NP_001154824.1, residues 1170-1190): DLIFCLMQFD[His1180Gln]NAGQSRASLS

ClinVar aggregate classification (germline): Uncertain significance (1 of 4 stars; one submission).

Submission:

GeneDx
Classification: Uncertain significance. Last evaluated: 2024-07-31. Review status: criteria provided, single submitter. Criteria: GeneDx Variant Classification Process June 2021. Collection method: clinical testing. Allele origin: germline. Affected: yes.
Comment: Not observed at significant frequency in large population cohorts (gnomAD); In silico analysis supports that this missense variant has a deleterious effect on protein structure/function; Has not been previously published as pathogenic or benign to our knowledge